The following is an entry in ClinVar:

ClinVar aggregate classification (germline): Uncertain significance. Review status: criteria provided, multiple submitters, no conflicts (2 of 4 stars). 2 submissions from 2 submitters: Uncertain significance (2). Last evaluated 2023-11-30.

Conditions:
PLA2G6-associated neurodegeneration (PLAN). Also called: phospholipase A2-associated neurodegeneration. Identifiers: Orphanet 329303, MedGen CN204472, MONDO:0017998.

Allele frequency attached by ClinVar (database versions not stated): gnomAD exomes below 0.00001.
gnomAD v4.1: 1 of 1,608,948 alleles (0.000062%); highest among the groups gnomAD compares: South Asian, 0.0011%; no homozygotes.

Submissions (2):

GeneDx
Classification: Uncertain significance. Last evaluated: 2023-11-30. Review status: criteria provided, single submitter. Criteria: GeneDx Variant Classification Process June 2021. Collection method: clinical testing. Allele origin: germline. Affected: yes.
Comment: Not observed at significant frequency in large population cohorts (gnomAD); In silico analysis supports that this missense variant has a deleterious effect on protein structure/function; This variant is associated with the following publications: (PMID: 24745848)

Broad Center for Mendelian Genomics, Broad Institute of MIT and Harvard
Classification: Uncertain significance for PLA2G6-associated neurodegeneration. Last evaluated: 2023-01-24. Review status: criteria provided, single submitter. Criteria: ACMG Guidelines, 2015. Collection method: curation. Allele origin: germline. Inheritance: Autosomal recessive inheritance.
Comment: The p.His792Pro variant in PLA2G6 has been reported in 1 individual, in the homozygous stat,e with PLA2G6-associated neurodegeneration (PMID: 24745848), and has been identified in 0.003% (1/29316) of South Asian chromosomes by the Genome Aggregation Database (gnomAD; dbSNP ID: rs893021938). Although this variant has been seen in the general population in a heterozygous state, its frequency is low enough to be consistent with a recessive carrier frequency. This variant has also been reported in ClinVar (Variation ID#: 1303106) and has been interpreted as a variant of uncertain significance by GeneDx. Computational prediction tools and conservation analyses suggest that this variant may impact the protein, though this information is not predictive enough to determine pathogenicity. In summary, the clinical significance of the p.His792Pro variant is uncertain. ACMG/AMP Criteria applied: PP3, PM2_supporting, PM3_supporting (Richards 2015).

NM_003560.4(PLA2G6):c.2375A>C (p.His792Pro)

Gene: PLA2G6 (phospholipase A2 group VI; minus strand). Cytogenetic location: 22q13.1.
Variant type: single nucleotide variant.
Coding change: c.2375A>C on transcript NM_003560.4 (MANE Select); coding-DNA position 2375, A replaced by C.
Protein change: p.His792Pro; replaces histidine 792 with proline.
Molecular consequence: missense variant.
Genome position (GRCh38, 1-based): chr22:38,112,207, T>G on the plus strand (A>C on the coding strand, the complement: PLA2G6 is on the minus strand). VCF-style: chr22-38112207-T-G. GRCh37 (hg19) VCF-style: chr22-38508214-T-G.
Other names: NM_001004426.3:c.2213A>C; c.2213A>C, p.His738Pro (NM_001004426.3, NM_001199562.3, NM_001349865.2 and 1 more transcripts); c.2375A>C, p.His792Pro (NM_001349864.2); c.1841A>C, p.His614Pro (NM_001349867.2); c.1697A>C, p.His566Pro (NM_001349868.2); c.1679A>C, p.His560Pro (NM_001349869.2); short protein forms H560P, H566P, H614P, H738P, H792P.
Identifiers: ClinVar variation 1303106 (VCV001303106.4), dbSNP rs893021938, ClinGen allele CA411523055.